The following is an entry in ClinVar:

NM_004006.3(DMD):c.8023A>T (p.Lys2675Ter)

Gene: DMD (dystrophin; minus strand). Cytogenetic location: Xp21.1.
Variant type: single nucleotide variant.
Coding change: c.8023A>T on transcript NM_004006.3 (MANE Select); coding-DNA position 8023, A replaced by T.
Protein change: p.Lys2675Ter; replaces lysine 2675 with a stop codon.
Molecular consequence: nonsense.
Genome position (GRCh38, 1-based): chrX:31,657,994, T>A on the plus strand (A>T on the coding strand, the complement: DMD is on the minus strand). VCF-style: chrX-31657994-T-A. GRCh37 (hg19) VCF-style: chrX-31676111-T-A.
Other names: c.3991A>T, p.Lys1331Ter (NM_004012.4); c.643A>T, p.Lys215Ter (NM_004013.3, NM_004020.4, NM_004021.3 and 2 more transcripts); c.7999A>T, p.Lys2667Ter (NM_000109.4); c.8011A>T, p.Lys2671Ter (NM_004009.3); c.7654A>T, p.Lys2552Ter (NM_004010.3); c.4000A>T, p.Lys1334Ter (NM_004011.4); short protein forms K1331*, K1334*, K215*, K2552*, K2667*, K2671*, K2675*.
Identifiers: ClinVar variation 984216 (VCV000984216.4), dbSNP rs2080887929, ClinGen allele CA412655720.
Genomic context (GRCh38, chrX:31,657,994, plus strand): 5'-TTTCACCACCCCATTATTACAGCCAACAGTAGTTTTAGAAATAATGTAATTCATACCTTT[T>A]ATGAATGCTTCTCCAAGAGGCATTGATATTCTCTGTTATCATGTGGACTTTTCTGGTATC-3'

ClinVar aggregate classification (germline): Likely pathogenic (1 of 4 stars; one submission).

Conditions:
Progressive muscular dystrophy. Identifiers: Orphanet 206644, MedGen C4551827, MONDO:0016106.

Submission:

Myriad Genetics, Inc.
Classification: Likely pathogenic for Progressive muscular dystrophy. Last evaluated: 2019-01-11. Review status: criteria provided, single submitter. Criteria: Myriad Autosomal Dominant, Autosomal Recessive and X-Linked Classification Criteria (2023). Collection method: clinical testing. Allele origin: unknown.
Comment: NM_004006.2(DMD):c.8023A>T(K2675*) is expected to be pathogenic in the context of dystrophinopathy (including Duchenne/Becker muscular dystrophy). This variant is predicted to lead to an abnormal or absent protein product due to the creation of a premature termination codon in DMD, a gene where loss-of-function variants are known to be pathogenic. Please note: this variant was assessed in the context of healthy population screening.